The following is an entry in ClinVar:

ClinVar aggregate classification (germline): Uncertain significance (1 of 4 stars; one submission).

gnomAD v4.1: 3 of 1,556,978 alleles (0.00019%); highest among the groups gnomAD compares: Non-Finnish European, 0.00026%; no homozygotes.

Submission:

GeneDx
Classification: Uncertain significance. Last evaluated: 2024-04-15. Review status: criteria provided, single submitter. Criteria: GeneDx Variant Classification Process June 2021. Collection method: clinical testing. Allele origin: germline. Affected: yes.
Comment: Not observed at significant frequency in large population cohorts (gnomAD); In silico analysis indicates that this missense variant does not alter protein structure/function; Has not been previously published as pathogenic or benign to our knowledge

NM_020433.5(JPH2):c.1616C>A (p.Ala539Asp)

Gene: JPH2 (junctophilin 2; minus strand). Cytogenetic location: 20q13.12.
Variant type: single nucleotide variant.
Coding change: c.1616C>A on transcript NM_020433.5 (MANE Select); coding-DNA position 1616, C replaced by A.
Protein change: p.Ala539Asp; replaces alanine 539 with aspartic acid.
Molecular consequence: missense variant.
Genome position (GRCh38, 1-based): chr20:44,116,059, G>T on the plus strand (C>A on the coding strand, the complement: JPH2 is on the minus strand). VCF-style: chr20-44116059-G-T. GRCh37 (hg19) VCF-style: chr20-42744699-G-T.
Other names: short protein forms A539D.
Identifiers: ClinVar variation 3372517 (VCV003372517.1).
Genomic context (GRCh38, chr20:44,116,059, plus strand): 5'-TCCGGCTCCCGCGACGGCGCAGGCGGTGCCTGCAGAGCCTCGATGGCCATGCGCTCGGTG[G>T]CTGGACGCGCGGGGCTGCGGCGGCCCGCGCCCTCGGACGGAGTGACTGACCGGCTGCCCT-3'
Protein context (NP_065166.2, residues 529-549): GAGRRSPARP[Ala539Asp]TERMAIEALQ